The following is an entry in ClinVar:

NM_000051.4(ATM):c.2226G>C (p.Lys742Asn)

Gene: ATM (ATM serine/threonine kinase; plus strand). Cytogenetic location: 11q22.3.
Variant type: single nucleotide variant.
Coding change: c.2226G>C on transcript NM_000051.4 (MANE Select); coding-DNA position 2226, G replaced by C.
Protein change: p.Lys742Asn; replaces lysine 742 with asparagine.
Molecular consequence: missense variant.
Genome position (GRCh38, 1-based): chr11:108,256,316, G>C. VCF-style: chr11-108256316-G-C. GRCh37 (hg19) VCF-style: chr11-108127043-G-C.
Other names: c.2226G>C, p.Lys742Asn (NM_001351834.2); c.2226G>C (NM_000051.3); short protein forms K742N.
Identifiers: ClinVar variation 1011478 (VCV001011478.11), dbSNP rs2080482083, ClinGen allele CA382539153.

ClinVar aggregate classification (germline): Uncertain significance. Review status: criteria provided, multiple submitters, no conflicts (2 of 4 stars). 3 submissions from 3 submitters: Uncertain significance (3). Last evaluated 2025-10-28.

Conditions:
ATM-related disorder. Also called: ATM-related disorders; ATM-related condition.
Ataxia-telangiectasia syndrome (AT). Also called: Cerebello-oculocutaneous telangiectasia; Immunodeficiency with ataxia telangiectasia; ATAXIA-TELANGIECTASIA, COMPLEMENTATION GROUP A; ATAXIA-TELANGIECTASIA, FRESNO VARIANT; LOUIS-BAR SYNDROME; Ataxia-telangiectasia, complementation group E. Identifiers: Orphanet 100, MedGen C0004135, MONDO:0008840, OMIM 208900.
Hereditary cancer-predisposing syndrome. Also called: Tumor predisposition; Hereditary Cancer Syndrome; Neoplastic Syndromes, Hereditary; Hereditary neoplastic syndrome. Identifiers: Orphanet 140162, MedGen C0027672, MeSH D009386, MONDO:0015356.

Submissions (3):

Ambry Genetics
Classification: Uncertain significance for Hereditary cancer-predisposing syndrome. Last evaluated: 2025-10-28. Review status: criteria provided, single submitter. Criteria: Ambry Variant Classification Scheme 2023. Collection method: clinical testing. Allele origin: germline.
Comment: The p.K742N variant (also known as c.2226G>C), located in coding exon 13 of the ATM gene, results from a G to C substitution at nucleotide position 2226. The lysine at codon 742 is replaced by asparagine, an amino acid with similar properties. This amino acid position is conserved. In addition, this alteration is predicted to be tolerated by in silico analysis. Based on the available evidence, the clinical significance of this variant remains unclear.

Labcorp Genetics (formerly Invitae), Labcorp
Classification: Uncertain significance for Ataxia-telangiectasia syndrome. Last evaluated: 2023-04-17. Review status: criteria provided, single submitter. Criteria: Invitae Variant Classification Sherloc (09022015). Collection method: clinical testing. Allele origin: germline.
Comment: ClinVar contains an entry for this variant (Variation ID: 1011478). This variant has not been reported in the literature in individuals affected with ATM-related conditions. This variant is not present in population databases (gnomAD no frequency). This sequence change replaces lysine, which is basic and polar, with asparagine, which is neutral and polar, at codon 742 of the ATM protein (p.Lys742Asn). In summary, the available evidence is currently insufficient to determine the role of this variant in disease. Therefore, it has been classified as a Variant of Uncertain Significance. An algorithm developed to predict the effect of missense changes on protein structure and function (PolyPhen-2) suggests that this variant is likely to be tolerated.

PreventionGenetics, part of Exact Sciences
Classification: Uncertain significance for ATM-related condition. Last evaluated: 2022-09-09. Review status: criteria provided, single submitter. Criteria: ACMG Guidelines, 2015. Collection method: clinical testing. Allele origin: germline.
Comment: The ATM c.2226G>C variant is predicted to result in the amino acid substitution p.Lys742Asn. To our knowledge, this variant has not been reported in the literature or in a large population database, indicating this variant is rare. In ClinVar this variant has been interpreted as uncertain. At this time, the clinical significance of this variant is uncertain due to the absence of conclusive functional and genetic evidence.